The following is an entry in ClinVar:

NM_153240.5(NPHP3):c.3813-12TC[2]

Genes: NPHP3 (nephrocystin 3; minus strand), NPHP3-ACAD11 (NPHP3-ACAD11 readthrough (NMD candidate); minus strand). Cytogenetic location: 3q22.1.
Variant type: Microsatellite.
Coding change: c.3813-12TC[2] on transcript NM_153240.5 (MANE Select); two copies in a row of the 2-base unit TC starting at c.3813-12; the reference has four copies in a row; two copies, 4 bases deleted.
Molecular consequence: intron variant.
Genome position (GRCh38, 1-based): chr3:132,682,095-132,682,098, GAGA deleted on the plus strand (TCTC on the coding strand, the reverse complement: NPHP3 is on the minus strand); deleting any 4 consecutive bases within chr3:132,682,095-132,682,102 gives the same sequence; the position shown is the placement nearest the transcript's 3' end. VCF-style (leftmost placement, unchanged base first): chr3-132682094-TGAGA-T. GRCh37 (hg19) VCF-style: chr3-132400938-TGAGA-T.
Identifiers: ClinVar variation 2142601 (VCV002142601.1), dbSNP rs2530372435, ClinGen allele CA2580615970.

ClinVar aggregate classification (germline): Uncertain significance (1 of 4 stars; one submission).

Conditions:
Nephronophthisis. Also called: Juvenile Nephronophthisis. Identifiers: Orphanet 655, MedGen C0687120, MONDO:0019005, HP:0000090.

Submission:

Labcorp Genetics (formerly Invitae), Labcorp
Classification: Uncertain significance for Nephronophthisis. Last evaluated: 2022-08-22. Review status: criteria provided, single submitter. Criteria: Invitae Variant Classification Sherloc (09022015). Collection method: clinical testing. Allele origin: germline.
Comment: This sequence change falls in intron 26 of the NPHP3 gene. It does not directly change the encoded amino acid sequence of the NPHP3 protein. This variant is not present in population databases (gnomAD no frequency). This variant has not been reported in the literature in individuals affected with NPHP3-related conditions. Algorithms developed to predict the effect of sequence changes on RNA splicing suggest that this variant may create or strengthen a splice site. In summary, the available evidence is currently insufficient to determine the role of this variant in disease. Therefore, it has been classified as a Variant of Uncertain Significance.